The following is an entry in ClinVar:

ClinVar aggregate classification (germline): Uncertain significance. Review status: criteria provided, multiple submitters, no conflicts (2 of 4 stars). 2 submissions from 2 submitters: Uncertain significance (2). Last evaluated 2026-08-27.

Conditions:
Hereditary cancer-predisposing syndrome. Also called: Tumor predisposition; Hereditary Cancer Syndrome; Hereditary neoplastic syndrome; Neoplastic Syndromes, Hereditary. Identifiers: Orphanet 140162, MedGen C0027672, MeSH D009386, MONDO:0015356.

Submissions (2):

Ambry Genetics
Classification: Uncertain significance for Hereditary cancer-predisposing syndrome. Last evaluated: 2026-08-27. Review status: criteria provided, single submitter. Criteria: Ambry Variant Classification Scheme 2023. Collection method: clinical testing. Allele origin: germline.
Comment: The p.N1618K variant (also known as c.4854C>G), located in coding exon 37 of the POLE gene, results from a C to G substitution at nucleotide position 4854. The asparagine at codon 1618 is replaced by lysine, an amino acid with similar properties. This amino acid position is conserved. In addition, this alteration is predicted to be tolerated by in silico analysis. Based on the available evidence, the clinical significance of this variant remains unclear.

Labcorp Genetics (formerly Invitae), Labcorp
Classification: Uncertain significance. Last evaluated: 2025-11-15. Review status: criteria provided, single submitter. Criteria: Invitae Variant Classification Sherloc (09022015). Collection method: clinical testing. Allele origin: germline.
Comment: This sequence change replaces asparagine, which is neutral and polar, with lysine, which is basic and polar, at codon 1618 of the POLE protein (p.Asn1618Lys). This variant is not present in population databases (gnomAD no frequency). This variant has not been reported in the literature in individuals affected with POLE-related conditions. ClinVar contains an entry for this variant (Variation ID: 1051807). Invitae Evidence Modeling of protein sequence and biophysical properties (such as structural, functional, and spatial information, amino acid conservation, physicochemical variation, residue mobility, and thermodynamic stability) indicates that this missense variant is not expected to disrupt POLE protein function with a negative predictive value of 80%. In summary, the available evidence is currently insufficient to determine the role of this variant in disease. Therefore, it has been classified as a Variant of Uncertain Significance.

NM_006231.4(POLE):c.4854C>G (p.Asn1618Lys)

Gene: POLE (DNA polymerase epsilon, catalytic subunit; minus strand). Cytogenetic location: 12q24.33.
Variant type: single nucleotide variant.
Coding change: c.4854C>G on transcript NM_006231.4 (MANE Select); coding-DNA position 4854, C replaced by G.
Protein change: p.Asn1618Lys; replaces asparagine 1618 with lysine.
Molecular consequence: missense variant.
Genome position (GRCh38, 1-based): chr12:132,642,604, G>C on the plus strand (C>G on the coding strand, the complement: POLE is on the minus strand). VCF-style: chr12-132642604-G-C. GRCh37 (hg19) VCF-style: chr12-133219190-G-C.
Other names: c.4854C>G (NM_006231.2); short protein forms N1618K.
Identifiers: ClinVar variation 1051807 (VCV001051807.10), dbSNP rs2138535061, ClinGen allele CA387378140.